The following is an entry in ClinVar:

NM_032444.4(SLX4):c.317C>T (p.Pro106Leu)

Gene: SLX4 (SLX4 structure-specific endonuclease subunit; minus strand). Cytogenetic location: 16p13.3.
Variant type: single nucleotide variant.
Coding change: c.317C>T on transcript NM_032444.4 (MANE Select); coding-DNA position 317, C replaced by T.
Protein change: p.Pro106Leu; replaces proline 106 with leucine.
Molecular consequence: missense variant.
Genome position (GRCh38, 1-based): chr16:3,608,648, G>A on the plus strand (C>T on the coding strand, the complement: SLX4 is on the minus strand). VCF-style: chr16-3608648-G-A. GRCh37 (hg19) VCF-style: chr16-3658649-G-A.
Other names: short protein forms P106L.
Identifiers: ClinVar variation 1402161 (VCV001402161.8), dbSNP rs2151139456, ClinGen allele CA394547478.
Genomic context (GRCh38, chr16:3,608,648, plus strand): 5'-GTTACCCTTTGCTTTTTAGTCCTAGGGGCCTGGCTGCCAGACGGAGGTTTCTTCTCTGCA[G>A]GGCCTTGAAGGGTTTTGGTCTTGGTAGCAGTTTGTTTGGTCCTTTTCAATTTGCTTCTTA-3'
Protein context (NP_115820.2, residues 96-116): TATKTKTLQG[Pro106Leu]AEKKPPSGSQ

ClinVar aggregate classification (germline): Uncertain significance (1 of 4 stars; one submission).

Conditions:
Fanconi anemia (FA). Also called: Fanconi's anemia. Identifiers: Orphanet 84, MedGen C0015625, MeSH D005199, MONDO:0019391.

gnomAD v4.1: 1 of 1,614,206 alleles (0.000062%); highest among the groups gnomAD compares: Non-Finnish European, 0.000085%; no homozygotes.

Submission:

Labcorp Genetics (formerly Invitae), Labcorp
Classification: Uncertain significance for Fanconi anemia. Last evaluated: 2021-06-27. Review status: criteria provided, single submitter. Criteria: Invitae Variant Classification Sherloc (09022015). Collection method: clinical testing. Allele origin: germline.
Comment: In summary, the available evidence is currently insufficient to determine the role of this variant in disease. Therefore, it has been classified as a Variant of Uncertain Significance. Algorithms developed to predict the effect of missense changes on protein structure and function are either unavailable or do not agree on the potential impact of this missense change (SIFT: "Deleterious"; PolyPhen-2: "Possibly Damaging"; Align-GVGD: "Class C0"). This variant has not been reported in the literature in individuals with SLX4-related conditions. This variant is not present in population databases (ExAC no frequency). This sequence change replaces proline with leucine at codon 106 of the SLX4 protein (p.Pro106Leu). The proline residue is weakly conserved and there is a moderate physicochemical difference between proline and leucine.